The following is an entry in ClinVar:

ClinVar aggregate classification (germline): Uncertain significance (1 of 4 stars; one submission).

Conditions:
Progressive myoclonic epilepsy type 9. Identifiers: Orphanet 457265, MedGen C4225289, MONDO:0014685, OMIM 616540.
Lipodystrophy, partial, acquired, susceptibility to (APLD). Also called: APLD, SUSCEPTIBILITY TO. Identifiers: MedGen C3887501, MONDO:0100476, OMIM 608709.

Allele frequency attached by ClinVar (database versions not stated): TOPMed below 0.00001; gnomAD 0.00001; ExAC 0.00002.
gnomAD v4.1: 62 of 1,613,694 alleles (0.0038%); highest among the groups gnomAD compares: Non-Finnish European, 0.005%; no homozygotes.

Submission:

Labcorp Genetics (formerly Invitae), Labcorp
Classification: Uncertain significance for Progressive myoclonic epilepsy type 9; Lipodystrophy, partial, acquired, susceptibility to. Last evaluated: 2023-06-30. Review status: criteria provided, single submitter. Criteria: Invitae Variant Classification Sherloc (09022015). Collection method: clinical testing. Allele origin: germline.
Comment: In summary, the available evidence is currently insufficient to determine the role of this variant in disease. Therefore, it has been classified as a Variant of Uncertain Significance. Advanced modeling of protein sequence and biophysical properties (such as structural, functional, and spatial information, amino acid conservation, physicochemical variation, residue mobility, and thermodynamic stability) performed at Invitae indicates that this missense variant is not expected to disrupt LMNB2 protein function. This variant has not been reported in the literature in individuals affected with LMNB2-related conditions. This variant is present in population databases (rs777408921, gnomAD 0.005%). This sequence change replaces alanine, which is neutral and non-polar, with threonine, which is neutral and polar, at codon 514 of the LMNB2 protein (p.Ala514Thr).

NM_032737.4(LMNB2):c.1540G>A (p.Ala514Thr)

Gene: LMNB2 (lamin B2; minus strand). Cytogenetic location: 19p13.3.
Variant type: single nucleotide variant.
Coding change: c.1540G>A on transcript NM_032737.4 (MANE Select); coding-DNA position 1540, G replaced by A.
Protein change: p.Ala514Thr; replaces alanine 514 with threonine.
Molecular consequence: missense variant.
Genome position (GRCh38, 1-based): chr19:2,432,466, C>T on the plus strand (G>A on the coding strand, the complement: LMNB2 is on the minus strand). VCF-style: chr19-2432466-C-T. GRCh37 (hg19) VCF-style: chr19-2432464-C-T.
Other names: short protein forms A514T.
Identifiers: ClinVar variation 2926242 (VCV002926242.3), dbSNP rs777408921, ClinGen allele CA9067446.